The following is an entry in ClinVar:

ClinVar aggregate classification (germline): Pathogenic. Review status: no assertion criteria provided (0 of 4 stars). 3 submissions from 3 submitters: Pathogenic (2). 1 of the submissions does not count toward it. Last evaluated 2019-08-01.

Conditions:
Juvenile-onset diabetes mellitus-central and peripheral neurodegeneration syndrome. Also called: Ataxia, combined cerebellar and peripheral, with hearing loss and diabetes mellitus. Identifiers: Orphanet 445062, MedGen C4015436, MONDO:0014523, OMIM 616192.
Juvenile onset Parkinson disease 19A. Also called: PARK19; DNAJC6 Parkinson Disease. Identifiers: Orphanet 391411, MedGen C3809811, MONDO:0014231, OMIM 615528.

Submissions (3):

Section for Clinical Neurogenetics, University of Tübingen
Classification: Pathogenic for Juvenile-onset diabetes mellitus-central and peripheral neurodegeneration syndrome. Last evaluated: 2019-08-01. Review status: no assertion criteria provided. Collection method: research. Allele origin: germline. Affected: yes.

OMIM
Classification: Pathogenic for PARKINSON DISEASE 19A, JUVENILE-ONSET. Last evaluated: 2014-02-01. Review status: no assertion criteria provided. Collection method: literature only. Allele origin: germline.

GeneReviews
No classification provided. Condition: Juvenile onset Parkinson disease 19A. Review status: no classification provided. Collection method: literature only. Allele origin: germline. Not counted in ClinVar's aggregate classification.
Comment: Juvenile-onset parkinsonism

Literature cited by the submitters: PubMed 32214227 (cited by Section for Clinical Neurogenetics, University of Tübingen); PubMed 2256350 (cited by Section for Clinical Neurogenetics, University of Tübingen); PubMed 22563501 (cited by OMIM and GeneReviews); PubMed 24220513 (cited by OMIM); PubMed 33983693 (cited by GeneReviews).

NM_001256864.2(DNAJC6):c.801-2A>G

Gene: DNAJC6 (DnaJ heat shock protein family (Hsp40) member C6; plus strand). Cytogenetic location: 1p31.3.
Variant type: single nucleotide variant.
Coding change: c.801-2A>G on transcript NM_001256864.2 (MANE Select); the canonical splice acceptor site of the intron before coding-DNA position 801, A replaced by G.
Molecular consequence: splice acceptor variant.
Genome position (GRCh38, 1-based): chr1:65,385,710, A>G. VCF-style: chr1-65385710-A-G. GRCh37 (hg19) VCF-style: chr1-65851393-A-G.
Other names: IVS6AS, A-G, -2; c.591-2A>G (NM_001256865.2); c.630-2A>G (NM_014787.4).
Identifiers: ClinVar variation 88854 (VCV000088854.5), dbSNP rs398122404, ClinGen allele CA145377.